The following is an entry in ClinVar:

NM_024529.5(CDC73):c.1004C>T (p.Pro335Leu)

Gene: CDC73 (cell division cycle 73; plus strand). Cytogenetic location: 1q31.2.
Variant type: single nucleotide variant.
Coding change: c.1004C>T on transcript NM_024529.5 (MANE Select); coding-DNA position 1004, C replaced by T.
Protein change: p.Pro335Leu; replaces proline 335 with leucine.
Molecular consequence: missense variant.
Genome position (GRCh38, 1-based): chr1:193,203,826, C>T. VCF-style: chr1-193203826-C-T. GRCh37 (hg19) VCF-style: chr1-193172956-C-T.
Other names: short protein forms P335L.
Identifiers: ClinVar variation 2164071 (VCV002164071.5), dbSNP rs1476163101, ClinGen allele CA344076143.

ClinVar aggregate classification (germline): Uncertain significance. Review status: criteria provided, multiple submitters, no conflicts (2 of 4 stars). 2 submissions from 2 submitters: Uncertain significance (2). Last evaluated 2026-09-06.

Conditions:
Parathyroid carcinoma (PRTC). Also called: Parathyroid gland carcinoma; CDC73-Related Parathyroid Carcinoma. Identifiers: Orphanet 143, MedGen C0687150, MONDO:0012004, OMIM 608266, HP:0006780.
Hereditary cancer-predisposing syndrome. Also called: Tumor predisposition; Hereditary Cancer Syndrome; Hereditary neoplastic syndrome; Neoplastic Syndromes, Hereditary. Identifiers: Orphanet 140162, MedGen C0027672, MeSH D009386, MONDO:0015356.

gnomAD v4.1: 1 of 1,613,720 alleles (0.000062%); no homozygotes.

Submissions (2):

Ambry Genetics
Classification: Uncertain significance for Hereditary cancer-predisposing syndrome. Last evaluated: 2026-09-06. Review status: criteria provided, single submitter. Criteria: Ambry Variant Classification Scheme 2023. Collection method: clinical testing. Allele origin: germline.
Comment: The p.P335L variant (also known as c.1004C>T), located in coding exon 11 of the CDC73 gene, results from a C to T substitution at nucleotide position 1004. The proline at codon 335 is replaced by leucine, an amino acid with similar properties. This amino acid position is conserved. In addition, the in silico prediction for this alteration is inconclusive. Based on the available evidence, the clinical significance of this variant remains unclear.

Labcorp Genetics (formerly Invitae), Labcorp
Classification: Uncertain significance for Parathyroid carcinoma. Last evaluated: 2022-04-29. Review status: criteria provided, single submitter. Criteria: Invitae Variant Classification Sherloc (09022015). Collection method: clinical testing. Allele origin: germline.
Comment: In summary, the available evidence is currently insufficient to determine the role of this variant in disease. Therefore, it has been classified as a Variant of Uncertain Significance. Algorithms developed to predict the effect of missense changes on protein structure and function (SIFT, PolyPhen-2, Align-GVGD) all suggest that this variant is likely to be tolerated. This variant has not been reported in the literature in individuals affected with CDC73-related conditions. This variant is not present in population databases (gnomAD no frequency). This sequence change replaces proline, which is neutral and non-polar, with leucine, which is neutral and non-polar, at codon 335 of the CDC73 protein (p.Pro335Leu).